The following is an entry in ClinVar:

ClinVar aggregate classification (germline): Conflicting classifications of pathogenicity. Review status: criteria provided, conflicting classifications (1 of 4 stars). 4 submissions from 4 submitters: Uncertain significance (1); Likely benign (3). Last evaluated 2025-11-22.

Conditions:
Charcot-Marie-Tooth disease type 4. Also called: Charcot-Marie-Tooth disease, type IV; Charcot-Marie-Tooth, Type 4. Identifiers: Orphanet 64749, MedGen C4082197, MONDO:0018995.
Charcot-Marie-Tooth disease type 4D. Also called: Charcot-Marie-Tooth Neuropathy Type 4D; NEUROPATHY, HEREDITARY MOTOR AND SENSORY, LOM TYPE; CHARCOT-MARIE-TOOTH DISEASE, DEMYELINATING, TYPE 4D; CHARCOT-MARIE-TOOTH DISEASE, DEMYELINATING, AUTOSOMAL RECESSIVE, TYPE 4D. Identifiers: Orphanet 99950, MedGen C1832334, MONDO:0011085, OMIM 601455.
Inborn genetic diseases. Identifiers: MedGen C0950123, MeSH D030342.

Allele frequency attached by ClinVar (database versions not stated): TOPMed 0.00001.
gnomAD v4.1: 70 of 1,613,994 alleles (0.0043%); highest among the groups gnomAD compares: Non-Finnish European, 0.0058%; no homozygotes.

Submissions (4):

Labcorp Genetics (formerly Invitae), Labcorp
Classification: Likely benign for Charcot-Marie-Tooth disease type 4. Last evaluated: 2025-11-22. Review status: criteria provided, single submitter. Criteria: Invitae Variant Classification Sherloc (09022015). Collection method: clinical testing. Allele origin: germline.

CeGaT Center for Human Genetics Tuebingen
Classification: Likely benign. Last evaluated: 2024-12-01. Review status: criteria provided, single submitter. Criteria: CeGaT Center For Human Genetics Tuebingen Variant Classification Criteria Version 2. Collection method: clinical testing. Allele origin: germline. Affected: yes. Observed: 1 variant allele.
Comment: NDRG1: BP4, BP7

Ambry Genetics
Classification: Likely benign for Inborn genetic diseases. Last evaluated: 2019-07-11. Review status: criteria provided, single submitter. Criteria: Ambry Variant Classification Scheme 2023. Collection method: clinical testing. Allele origin: germline.

Illumina Laboratory Services, Illumina
Classification: Uncertain significance for Charcot-Marie-Tooth disease type 4D. Last evaluated: 2018-01-12. Review status: criteria provided, single submitter. Criteria: ICSL Variant Classification Criteria 13 December 2019. Collection method: clinical testing. Allele origin: germline.

NM_006096.4(NDRG1):c.528C>G (p.Ala176=)

Gene: NDRG1 (N-myc downstream regulated 1; minus strand). Cytogenetic location: 8q24.22.
Variant type: single nucleotide variant.
Coding change: c.528C>G on transcript NM_006096.4 (MANE Select); coding-DNA position 528, C replaced by G.
Protein change: p.Ala176=; no amino-acid change (alanine 176 retained).
Molecular consequence: synonymous variant.
Genome position (GRCh38, 1-based): chr8:133,256,786, G>C on the plus strand (C>G on the coding strand, the complement: NDRG1 is on the minus strand). VCF-style: chr8-133256786-G-C. GRCh37 (hg19) VCF-style: chr8-134269029-G-C.
Other names: c.528C>G, p.Ala176= (NM_001135242.2, NM_001374844.1, NM_001374845.1 and 1 more transcripts); c.330C>G, p.Ala110= (NM_001258432.2, NM_001374847.1); c.285C>G, p.Ala95= (NM_001258433.2).
Identifiers: ClinVar variation 543444 (VCV000543444.29), dbSNP rs191237702, ClinGen allele CA4886724.